The following is an entry in ClinVar:

NM_022765.4(MICAL1):c.3045G>A (p.Met1015Ile)

Gene: MICAL1 (microtubule associated monooxygenase, calponin and LIM domain containing 1; minus strand). Cytogenetic location: 6q21.
Variant type: single nucleotide variant.
Coding change: c.3045G>A on transcript NM_022765.4 (MANE Select); coding-DNA position 3045, G replaced by A.
Protein change: p.Met1015Ile; replaces methionine 1015 with isoleucine.
Molecular consequence: missense variant.
Genome position (GRCh38, 1-based): chr6:109,444,735, C>T on the plus strand (G>A on the coding strand, the complement: MICAL1 is on the minus strand). VCF-style: chr6-109444735-C-T. GRCh37 (hg19) VCF-style: chr6-109765938-C-T.
Other names: c.2787G>A, p.Met929Ile (NM_001159291.2); c.3102G>A, p.Met1034Ile (NM_001286613.2); c.3045G>A (NM_022765.3); short protein forms M1015I, M1034I, M929I.
Identifiers: ClinVar variation 1412266 (VCV001412266.7), dbSNP rs201625082, ClinGen allele CA3952667.
Genomic context (GRCh38, chr6:109,444,735, plus strand): 5'-TGCATGACACATCCCTGGGATGTGTCTGCTTCTCCCCACATTTCACCTACCTTCCCGGTT[C>T]ATGTAGCCTCGTAGCTCCTGGTCCAGCTGCCACTGTTTCTCCTCCAGATTCAATTCCTGC-3'
Protein context (NP_073602.3, residues 1005-1025): WQLDQELRGY[Met1015Ile]NREENLKTAA

ClinVar aggregate classification (germline): Uncertain significance. Review status: criteria provided, multiple submitters, no conflicts (2 of 4 stars). 2 submissions from 2 submitters: Uncertain significance (2). Last evaluated 2025-11-21.

Allele frequency attached by ClinVar (database versions not stated): TOPMed 0.00011; gnomAD exomes 0.00012; gnomAD 0.00013 and 0.00014; ExAC 0.00016; ESP Exome Variant Server 0.00038.

Submissions (2):

Labcorp Genetics (formerly Invitae), Labcorp
Classification: Uncertain significance. Last evaluated: 2025-11-21. Review status: criteria provided, single submitter. Criteria: Invitae Variant Classification Sherloc (09022015). Collection method: clinical testing. Allele origin: germline.
Comment: This sequence change replaces methionine, which is neutral and non-polar, with isoleucine, which is neutral and non-polar, at codon 1034 of the MICAL1 protein (p.Met1034Ile). This variant is present in population databases (rs201625082, gnomAD 0.02%). This variant has not been reported in the literature in individuals affected with MICAL1-related conditions. ClinVar contains an entry for this variant (Variation ID: 1412266). An algorithm developed to predict the effect of missense changes on protein structure and function outputs the following: PolyPhen-2: "Benign". The isoleucine amino acid residue is found in multiple mammalian species, which suggests that this missense change does not adversely affect protein function. In summary, the available evidence is currently insufficient to determine the role of this variant in disease. Therefore, it has been classified as a Variant of Uncertain Significance.

Ambry Genetics
Classification: Uncertain significance. Last evaluated: 2022-12-01. Review status: criteria provided, single submitter. Criteria: Ambry Variant Classification Scheme 2023. Collection method: clinical testing. Allele origin: germline.